The following is an entry in ClinVar:

NM_001374385.1(ATP8B1):c.*1509A>G

Genes: ATP8B1-AS1 (ATP8B1 antisense RNA 1; plus strand), ATP8B1 (ATPase phospholipid transporting 8B1; minus strand). Cytogenetic location: 18q21.31.
Variant type: single nucleotide variant.
Coding change: c.*1509A>G on transcript NM_001374385.1 (MANE Select); 1509 bases downstream of the stop codon, A replaced by G.
Molecular consequence: 3 prime UTR variant.
Genome position (GRCh38, 1-based): chr18:57,646,979, T>C on the plus strand (A>G on the coding strand, the complement: ATP8B1 is on the minus strand). VCF-style: chr18-57646979-T-C. GRCh37 (hg19) VCF-style: chr18-55314211-T-C.
Other names: c.*1509A>G (NM_001374386.1, NM_005603.6).
Identifiers: ClinVar variation 327444 (VCV000327444.6), dbSNP rs1968274, ClinGen allele CA10651945.

ClinVar aggregate classification (germline): Benign. Review status: criteria provided, multiple submitters, no conflicts (2 of 4 stars). 2 submissions from 2 submitters: Benign (2). Last evaluated 2018-01-13.

Conditions:
Progressive familial intrahepatic cholestasis type 1. Also called: BYLER DISEASE; Byler's disease; Severe ATP8B1 Deficiency (Progressive Familial Intrahepatic Cholestasis Type 1 [PFIC1]). Identifiers: Orphanet 79306, MedGen C4551898, MONDO:0008892, OMIM 211600.

Allele frequency attached by ClinVar (database versions not stated): gnomAD 0.25162 and 0.25236; TOPMed 0.26265; 1000 Genomes Project 30x 0.30325; 1000 Genomes Project 0.30851.

Submissions (2):

Illumina Laboratory Services, Illumina
Classification: Benign for Progressive familial intrahepatic cholestasis type 1. Last evaluated: 2018-01-13. Review status: criteria provided, single submitter. Criteria: ICSL Variant Classification Criteria 13 December 2019. Collection method: clinical testing. Allele origin: germline.
Comment: This variant was observed in the ICSL laboratory as part of a predisposition screen in an ostensibly healthy population. It had not been previously curated by ICSL or reported in the Human Gene Mutation Database (HGMD: prior to June 1st, 2018), and was therefore a candidate for classification through an automated scoring system. Utilizing variant allele frequency, disease prevalence and penetrance estimates, and inheritance mode, an automated score was calculated to assess if this variant is too frequent to cause the disease. Based on the score and internal cut-off values, a variant classified as benign is not then subjected to further curation. The score for this variant resulted in a classification of benign for this disease.

Breakthrough Genomics
Classification: Benign. Review status: criteria provided, single submitter. Criteria: ACMG Guidelines, 2015. Collection method: not provided. Allele origin: germline. Inheritance: Autosomal recessive inheritance. Affected: yes.